The following is an entry in ClinVar:

NM_004646.4(NPHS1):c.1414_1415delinsA (p.Pro472fs)

Gene: NPHS1 (NPHS1 adhesion molecule, nephrin; minus strand). Cytogenetic location: 19q13.12.
Variant type: Indel.
Coding change: c.1414_1415delinsA on transcript NM_004646.4 (MANE Select); coding-DNA positions 1414 to 1415, CC replaced by A.
Protein change: p.Pro472fs; shifts the reading frame from proline 472.
Molecular consequence: frameshift variant.
Genome position (GRCh38, 1-based): chr19:35,848,066-35,848,067, GG replaced by T on the plus strand (CC replaced by A on the coding strand, the reverse complement: NPHS1 is on the minus strand). VCF-style: chr19-35848066-GG-T. GRCh37 (hg19) VCF-style: chr19-36338968-GG-T.
Other names: short protein forms P472fs.
Identifiers: ClinVar variation 1725578 (VCV001725578.2), dbSNP rs2513776396, ClinGen allele CA2580096871.

ClinVar aggregate classification (germline): Likely pathogenic (1 of 4 stars; one submission).

Conditions:
Finnish congenital nephrotic syndrome (NPHS1). Also called: NEPHROTIC SYNDROME, TYPE 1. Identifiers: Orphanet 839, MedGen C0403399, MONDO:0009732, OMIM 256300.

Submission:

Myriad Genetics, Inc.
Classification: Likely pathogenic for Finnish congenital nephrotic syndrome. Last evaluated: 2021-12-03. Review status: criteria provided, single submitter. Criteria: Myriad Women's Health Autosomal Recessive and X-Linked Classification Criteria (2021). Collection method: clinical testing. Allele origin: unknown.
Comment: NM_004646.3(NPHS1):c.1414_1415delCCinsA(P472Kfs*14) is expected to be pathogenic in the context of nephrotic syndrome, NPHS1-related. This variant is predicted to lead to an abnormal or absent protein product due to the creation of a premature termination codon in NPHS1, a gene where loss-of-function variants are known to be pathogenic. Please note: this variant was assessed in the context of healthy population screening.